The following is an entry in ClinVar:

NM_001966.4(EHHADH):c.1378A>G (p.Met460Val)

Gene: EHHADH (enoyl-CoA hydratase and 3-hydroxyacyl CoA dehydrogenase; minus strand). Cytogenetic location: 3q27.2.
Variant type: single nucleotide variant.
Coding change: c.1378A>G on transcript NM_001966.4 (MANE Select); coding-DNA position 1378, A replaced by G.
Protein change: p.Met460Val; replaces methionine 460 with valine.
Molecular consequence: missense variant.
Genome position (GRCh38, 1-based): chr3:185,193,020, T>C on the plus strand (A>G on the coding strand, the complement: EHHADH is on the minus strand). VCF-style: chr3-185193020-T-C. GRCh37 (hg19) VCF-style: chr3-184910808-T-C.
Other names: c.1090A>G, p.Met364Val (NM_001166415.2); short protein forms M460V, M364V.
Identifiers: ClinVar variation 4998703 (VCV004998703.1).
Genomic context (GRCh38, chr3:185,193,020, plus strand): 5'-CAAATCCAAAACAGTTGCCTACAACGACTCCAATCTTTTTAATCTTTTTTGATAAGTTCA[T>C]AACAGTGGCAATGGTAGTGGGGGAAGAGTATTGGCTGGGAATAACCTCTAACAACTTCAT-3'
Protein context (NP_001957.2, residues 450-470): YSSPTTIATV[Met460Val]NLSKKIKKIG

ClinVar aggregate classification (germline): Uncertain significance (1 of 4 stars; one submission).

Conditions:
EHHADH-related disorder. Also called: EHHADH-related condition.

gnomAD v4.1: 7 of 1,614,240 alleles (0.00043%); highest among the groups gnomAD compares: Non-Finnish European, 0.00059%; no homozygotes.

Submission:

PreventionGenetics, part of Exact Sciences
Classification: Uncertain significance for EHHADH-related condition. Last evaluated: 2025-07-31. Review status: criteria provided, single submitter. Criteria: ACMG Guidelines, 2015. Collection method: clinical testing. Allele origin: germline.
Comment: The EHHADH c.1378A>G variant is predicted to result in the amino acid substitution p.Met460Val. To our knowledge, this variant has not been reported in the literature or in a large population database (gnomAD), indicating this variant is rare. At this time, the clinical significance of this variant is uncertain due to the absence of conclusive functional and genetic evidence.